The following is an entry in ClinVar:

NM_018117.12(WDR11):c.3027_3027+3delinsT

Gene: WDR11 (WD repeat domain 11; plus strand). Cytogenetic location: 10q26.12.
Variant type: Indel.
Coding change: c.3027_3027+3delinsT on transcript NM_018117.12 (MANE Select); coding-DNA position 3027 through 3 bases into the intron after coding-DNA position 3027, AGTA replaced by T.
Molecular consequence: splice donor variant.
Genome position (GRCh38, 1-based): chr10:120,904,142-120,904,145, AGTA replaced by T. VCF-style: chr10-120904142-AGTA-T. GRCh37 (hg19) VCF-style: chr10-122663654-AGTA-T.
Identifiers: ClinVar variation 3365466 (VCV003365466.1).

ClinVar aggregate classification (germline): Uncertain significance (1 of 4 stars; one submission).

Submission:

GeneDx
Classification: Uncertain significance. Last evaluated: 2023-12-13. Review status: criteria provided, single submitter. Criteria: GeneDx Variant Classification Process June 2021. Collection method: clinical testing. Allele origin: germline. Affected: yes.
Comment: Not observed at significant frequency in large population cohorts (gnomAD); Canonical splice site variant in a gene or region of a gene for which loss of function is not a well-established mechanism of disease; Has not been previously published as pathogenic or benign to our knowledge